The following is an entry in ClinVar:

ClinVar aggregate classification (germline): Uncertain significance. Review status: criteria provided, multiple submitters, no conflicts (2 of 4 stars). 2 submissions from 2 submitters: Uncertain significance (2). Last evaluated 2024-09-09.

Conditions:
Cohen syndrome (COH1). Also called: PEPPER SYNDROME; Cutis verticis gyrata, retinitis pigmentosa, and sensorineural deafness. Identifiers: Orphanet 193, MedGen C0265223, MONDO:0008999, OMIM 216550.

Submissions (2):

Blueprint Genetics
Classification: Uncertain significance. Last evaluated: 2024-09-09. Review status: criteria provided, single submitter. Criteria: ACMG Guidelines, 2015. Collection method: clinical testing. Allele origin: germline.

Labcorp Genetics (formerly Invitae), Labcorp
Classification: Uncertain significance for Cohen syndrome. Last evaluated: 2022-06-28. Review status: criteria provided, single submitter. Criteria: Invitae Variant Classification Sherloc (09022015). Collection method: clinical testing. Allele origin: germline.
Comment: This sequence change replaces arginine with glutamine at codon 3530 of the VPS13B protein (p.Arg3530Gln). The arginine residue is highly conserved and there is a small physicochemical difference between arginine and glutamine. This variant is present in population databases (rs770999005, gnomAD 0.01%). This variant has not been reported in the literature in individuals affected with VPS13B-related conditions. Algorithms developed to predict the effect of missense changes on protein structure and function are either unavailable or do not agree on the potential impact of this missense change (SIFT: "Not Available"; PolyPhen-2: "Benign"; Align-GVGD: "Not Available"). Algorithms developed to predict the effect of sequence changes on RNA splicing suggest that this variant may create or strengthen a splice site. In summary, the available evidence is currently insufficient to determine the role of this variant in disease. Therefore, it has been classified as a Variant of Uncertain Significance.

NM_152564.5(VPS13B):c.10514G>A (p.Arg3505Gln)

Gene: VPS13B (vacuolar protein sorting 13 homolog B; plus strand). Cytogenetic location: 8q22.2.
Variant type: single nucleotide variant.
Coding change: c.10514G>A on transcript NM_152564.5 (MANE Select); coding-DNA position 10514, G replaced by A.
Protein change: p.Arg3505Gln; replaces arginine 3505 with glutamine.
Molecular consequence: missense variant.
Genome position (GRCh38, 1-based): chr8:99,853,903, G>A. VCF-style: chr8-99853903-G-A. GRCh37 (hg19) VCF-style: chr8-100866131-G-A.
Other names: c.10589G>A, p.Arg3530Gln (NM_017890.5); short protein forms R3530Q, R3505Q.
Identifiers: ClinVar variation 2174716 (VCV002174716.2), dbSNP rs770999005, ClinGen allele CA4824961.